The following is an entry in ClinVar:

NM_004260.4(RECQL4):c.2603T>G (p.Val868Gly)

Gene: RECQL4 (RecQ like helicase 4; minus strand). Cytogenetic location: 8q24.3.
Variant type: single nucleotide variant.
Coding change: c.2603T>G on transcript NM_004260.4 (MANE Select); coding-DNA position 2603, T replaced by G.
Protein change: p.Val868Gly; replaces valine 868 with glycine.
Molecular consequence: missense variant. On other transcripts: non-coding transcript variant (3).
Genome position (GRCh38, 1-based): chr8:144,512,999, A>C on the plus strand (T>G on the coding strand, the complement: RECQL4 is on the minus strand). VCF-style: chr8-144512999-A-C. GRCh37 (hg19) VCF-style: chr8-145738382-A-C.
Other names: c.1466T>G, p.Val489Gly (NM_001413027.1, NM_001413030.1, NM_001413032.1 and 1 more transcripts); c.1532T>G, p.Val511Gly (NM_001413028.1, NM_001413034.1, NM_001413035.1 and 5 more transcripts); c.2252T>G, p.Val751Gly (NM_001413029.1); c.1334T>G, p.Val445Gly (NM_001413031.1, NM_001413038.1); c.2471T>G, p.Val824Gly (NM_001413033.1); c.2603T>G, p.Val868Gly (NM_001413036.1, NM_001413019.1); c.1400T>G, p.Val467Gly (NM_001413037.1); c.2573T>G, p.Val858Gly (NM_001413039.1); and 6 more; short protein forms V445G, V489G, V511G, V770G, V802G, V825G, V379G, V501G.
Identifiers: ClinVar variation 4712999 (VCV004712999.1).
Genomic context (GRCh38, chr8:144,512,999, plus strand): 5'-TGGTGGCTAAGCTGCTCAGCCTCTTGAGGGGGGTACTTGGGCACAGGCCTCTCCCCACCC[A>C]CGGCCCCTTCCTGCTCCGAGGGCGGCCTGGTGCAGGTGCAGGTGCAGGCTGGGAACACGC-3'
Protein context (NP_004251.4, residues 858-878): TRPPSEQEGA[Val868Gly]GGERPVPKYP

ClinVar aggregate classification (germline): Uncertain significance (1 of 4 stars; one submission).

Conditions:
Baller-Gerold syndrome (BGS). Also called: CRANIOSYNOSTOSIS WITH RADIAL DEFECTS. Identifiers: Orphanet 1225, MedGen C0265308, MONDO:0009039, OMIM 218600.

Submission:

Labcorp Genetics (formerly Invitae), Labcorp
Classification: Uncertain significance for Baller-Gerold syndrome. Last evaluated: 2025-04-07. Review status: criteria provided, single submitter. Criteria: Invitae Variant Classification Sherloc (09022015). Collection method: clinical testing. Allele origin: germline.
Comment: This sequence change replaces valine, which is neutral and non-polar, with glycine, which is neutral and non-polar, at codon 868 of the RECQL4 protein (p.Val868Gly). This variant is present in population databases (rs756122243, gnomAD 0.004%). This variant has not been reported in the literature in individuals affected with RECQL4-related conditions. An algorithm developed to predict the effect of missense changes on protein structure and function outputs the following: PolyPhen-2: "Not Available". The glycine amino acid residue is found in multiple mammalian species, which suggests that this missense change does not adversely affect protein function. In summary, the available evidence is currently insufficient to determine the role of this variant in disease. Therefore, it has been classified as a Variant of Uncertain Significance.